The following is an entry in ClinVar:

ClinVar aggregate classification (germline): Uncertain significance (1 of 4 stars; one submission).

Conditions:
Ehlers-Danlos syndrome, type 4 (EDSVASC). Also called: Ehlers-Danlos syndrome vascular type; Ehlers Danlos syndrome, ecchymotic type; Ehlers Danlos syndrome, arterial type; Ehlers Danlos syndrome, Sack-Barabas type; Ehlers-Danlos Syndrome Type IV. Identifiers: Orphanet 286, MedGen C0268338, MONDO:0017314, OMIM 130050.

gnomAD v4.1: 1 of 1,584,016 alleles (0.000063%); highest among the groups gnomAD compares: Non-Finnish European, 0.000086%; no homozygotes.

Submission:

All of Us Research Program, National Institutes of Health
Classification: Uncertain significance for Ehlers-Danlos syndrome, type 4. Last evaluated: 2024-08-30. Review status: criteria provided, single submitter. Criteria: ACMG Guidelines, 2015. Collection method: clinical testing. Allele origin: germline. Inheritance: Autosomal dominant inheritance. Observed: 1 variant allele, 1 heterozygote.
Comment: This study involves interpretation of variants in research participants for the purpose of population health screening. Participant phenotype was not available at the time of variant classification. Additional details can be found in publication PMID: 35346344, PMCID: PMC8962531

NM_000090.4(COL3A1):c.2046A>T (p.Glu682Asp)

Gene: COL3A1 (collagen type III alpha 1 chain; plus strand). Cytogenetic location: 2q32.2.
Variant type: single nucleotide variant.
Coding change: c.2046A>T on transcript NM_000090.4 (MANE Select); coding-DNA position 2046, A replaced by T.
Protein change: p.Glu682Asp; replaces glutamic acid 682 with aspartic acid.
Molecular consequence: missense variant.
Genome position (GRCh38, 1-based): chr2:188,999,308, A>T. VCF-style: chr2-188999308-A-T. GRCh37 (hg19) VCF-style: chr2-189864034-A-T.
Other names: short protein forms E682D.
Identifiers: ClinVar variation 3386460 (VCV003386460.1).